The following is an entry in ClinVar:

NM_006885.4(ZFHX3):c.420C>T (p.Ser140=)

Gene: ZFHX3 (zinc finger homeobox 3; minus strand). Cytogenetic location: 16q22.3.
Variant type: single nucleotide variant.
Coding change: c.420C>T on transcript NM_006885.4 (MANE Select); coding-DNA position 420, C replaced by T.
Protein change: p.Ser140=; no amino-acid change (serine 140 retained).
Molecular consequence: synonymous variant. On other transcripts: intron variant (1).
Genome position (GRCh38, 1-based): chr16:72,959,726, G>A on the plus strand (C>T on the coding strand, the complement: ZFHX3 is on the minus strand). VCF-style: chr16-72959726-G-A. GRCh37 (hg19) VCF-style: chr16-72993625-G-A.
Other names: c.420C>T, p.Ser140= (NM_001386735.1); c.-23-8761C>T (NM_001164766.2).
Identifiers: ClinVar variation 3040353 (VCV003040353.2), dbSNP rs140273758, ClinGen allele CA8164993.

ClinVar aggregate classification (germline): Likely benign (0 of 4 stars; one submission).

Conditions:
ZFHX3-related disorder. Also called: ZFHX3-related condition.

Allele frequency attached by ClinVar (database versions not stated): TOPMed 0.00014; 1000 Genomes Project 30x 0.00016; gnomAD exomes 0.00019; 1000 Genomes Project 0.00020; gnomAD 0.00033; ExAC 0.00051; ESP Exome Variant Server 0.00054.
gnomAD v4.1: 337 of 1,613,438 alleles (0.021%); highest among the groups gnomAD compares: African/African-American, 0.036%; 3 homozygotes.

Submission:

PreventionGenetics, part of Exact Sciences
Classification: Likely benign for ZFHX3-related condition. Last evaluated: 2019-09-20. Review status: no assertion criteria provided. Collection method: clinical testing. Allele origin: germline.
Comment: This variant is classified as likely benign based on ACMG/AMP sequence variant interpretation guidelines (Richards et al. 2015 PMID: 25741868, with internal and published modifications).